The following is an entry in ClinVar:

ClinVar aggregate classification (germline): Benign (1 of 4 stars; one submission).

Conditions:
Sessile serrated polyposis cancer syndrome (SSPCS). Identifiers: Orphanet 157798, MedGen C4310714, MONDO:0014919, OMIM 617108.

Submission:

Myriad Genetics, Inc.
Classification: Benign for Sessile serrated polyposis cancer syndrome. Last evaluated: 2026-07-01. Review status: criteria provided, single submitter. Criteria: Myriad Autosomal Dominant, Autosomal Recessive and X-Linked Classification Criteria (2023). Collection method: clinical testing. Allele origin: unknown.
Comment: This variant is considered benign. This variant is a silent/synonymous amino acid change and it is not expected to impact splicing.

NM_017763.6(RNF43):c.1197A>C (p.Pro399=)

Gene: RNF43 (ring finger protein 43; minus strand). Cytogenetic location: 17q22.
Variant type: single nucleotide variant.
Coding change: c.1197A>C on transcript NM_017763.6 (MANE Select); coding-DNA position 1197, A replaced by C.
Protein change: p.Pro399=; no amino-acid change (proline 399 retained).
Molecular consequence: synonymous variant.
Genome position (GRCh38, 1-based): chr17:58,358,579, T>G on the plus strand (A>C on the coding strand, the complement: RNF43 is on the minus strand). VCF-style: chr17-58358579-T-G. GRCh37 (hg19) VCF-style: chr17-56435940-T-G.
Other names: c.1197A>C, p.Pro399= (NM_001305544.3, NM_001438820.1, NM_001438821.1 and 1 more transcripts); c.816A>C, p.Pro272= (NM_001305545.2, NM_001437987.1).
Identifiers: ClinVar variation 5042466 (VCV005042466.1).